The following is an entry in ClinVar:

NM_032382.5(COG8):c.1755G>C (p.Glu585Asp)

Genes: COG8 (component of oligomeric golgi complex 8; minus strand), LOC130059304 (ATAC-STARR-seq lymphoblastoid silent region 7657; plus strand). Cytogenetic location: 16q22.1.
Variant type: single nucleotide variant.
Coding change: c.1755G>C on transcript NM_032382.5 (MANE Select); coding-DNA position 1755, G replaced by C.
Protein change: p.Glu585Asp; replaces glutamic acid 585 with aspartic acid.
Molecular consequence: missense variant. On other transcripts: intron variant (2).
Genome position (GRCh38, 1-based): chr16:69,330,923, C>G on the plus strand (G>C on the coding strand, the complement: COG8 is on the minus strand). VCF-style: chr16-69330923-C-G. GRCh37 (hg19) VCF-style: chr16-69364826-C-G.
Other names: c.1896G>C, p.Glu632Asp (NM_001379261.1); c.1755G>C, p.Glu585Asp (NM_001379262.1, NM_001379264.1); c.1794G>C, p.Glu598Asp (NM_001379263.1); c.1414-1744G>C (NM_001379266.1); c.1583-1744G>C (NM_001379265.1); short protein forms E632D, E585D, E598D.
Identifiers: ClinVar variation 1038425 (VCV001038425.9), dbSNP rs1443367772, ClinGen allele CA396480187.

ClinVar aggregate classification (germline): Uncertain significance (1 of 4 stars; one submission).

Conditions:
COG8-congenital disorder of glycosylation. Also called: COG8-CDG; CDG IIh. Identifiers: Orphanet 95428, MedGen C1970021, MONDO:0012635, OMIM 611182.

Allele frequency attached by ClinVar (database versions not stated): TOPMed 0.00001.

Submission:

Labcorp Genetics (formerly Invitae), Labcorp
Classification: Uncertain significance for COG8-congenital disorder of glycosylation. Last evaluated: 2023-09-13. Review status: criteria provided, single submitter. Criteria: Invitae Variant Classification Sherloc (09022015). Collection method: clinical testing. Allele origin: germline.
Comment: In summary, the available evidence is currently insufficient to determine the role of this variant in disease. Therefore, it has been classified as a Variant of Uncertain Significance. An algorithm developed to predict the effect of missense changes on protein structure and function (PolyPhen-2) suggests that this variant is likely to be tolerated. ClinVar contains an entry for this variant (Variation ID: 1038425). This variant has not been reported in the literature in individuals affected with COG8-related conditions. This variant is not present in population databases (gnomAD no frequency). This sequence change replaces glutamic acid, which is acidic and polar, with aspartic acid, which is acidic and polar, at codon 585 of the COG8 protein (p.Glu585Asp).